The following is an entry in ClinVar:

ClinVar aggregate classification (germline): Likely pathogenic. Review status: criteria provided, single submitter (1 of 4 stars). 3 submissions from 3 submitters: Likely pathogenic (1). 2 of the submissions do not count toward it. Last evaluated 2023-03-07.

Conditions:
Intellectual disability. Also called: intellectual disabilities; Intellectual functioning disability; Intellectual developmental disorder. Identifiers: MedGen C3714756, MeSH D008607, MONDO:0001071, HP:0001249.
Neurodevelopmental disorder with language delay and behavioral abnormalities, with or without seizures (NEDLBAS). Identifiers: MedGen C5830365, MONDO:0859531, OMIM 620292.

gnomAD v4.1: 1 of 1,613,960 alleles (0.000062%); highest among the groups gnomAD compares: East Asian, 0.0022%; no homozygotes.

Submissions (3):

GeneDx
Classification: Likely pathogenic. Last evaluated: 2023-03-07. Review status: criteria provided, single submitter. Criteria: GeneDx Variant Classification Process June 2021. Collection method: clinical testing. Allele origin: germline. Affected: yes.
Comment: Not observed at significant frequency in large population cohorts (gnomAD); In silico analysis supports that this missense variant has a deleterious effect on protein structure/function; This variant is associated with the following publications: (PMID: 27620904)

OMIM
Classification: Pathogenic for NEURODEVELOPMENTAL DISORDER WITH LANGUAGE DELAY AND BEHAVIORAL ABNORMALITIES, WITHOUT SEIZURES. Last evaluated: 2023-03-22. Review status: no assertion criteria provided. Collection method: literature only. Allele origin: germline. Not counted in ClinVar's aggregate classification.

Diagnostic Laboratory, Strasbourg University Hospital
Classification: Likely pathogenic for C3714756. Last evaluated: 2021-01-01. Review status: no assertion criteria provided. Collection method: clinical testing. Allele origin: de novo. Inheritance: Autosomal dominant inheritance. Affected: yes. Not counted in ClinVar's aggregate classification.

Literature cited by the submitters: PubMed 27620904 (cited by OMIM); PubMed 34930816 (cited by OMIM).

NM_012199.5(AGO1):c.583G>A (p.Glu195Lys)

Gene: AGO1 (argonaute RISC component 1; plus strand). Cytogenetic location: 1p34.3.
Variant type: single nucleotide variant.
Coding change: c.583G>A on transcript NM_012199.5 (MANE Select); coding-DNA position 583, G replaced by A.
Protein change: p.Glu195Lys; replaces glutamic acid 195 with lysine.
Molecular consequence: missense variant.
Genome position (GRCh38, 1-based): chr1:35,893,744, G>A. VCF-style: chr1-35893744-G-A. GRCh37 (hg19) VCF-style: chr1-36359345-G-A.
Other names: c.583G>A (NM_012199.3); c.583G>A, p.Glu195Lys (NM_001317122.2); c.358G>A, p.Glu120Lys (NM_001317123.2); short protein forms E120K, E195K.
Identifiers: ClinVar variation 1299669 (VCV001299669.5), dbSNP rs2148711374, ClinGen allele CA339367434.